The following is an entry in ClinVar:

NM_003331.5(TYK2):c.2573C>G (p.Ser858Ter)

Gene: TYK2 (tyrosine kinase 2; minus strand). Cytogenetic location: 19p13.2.
Variant type: single nucleotide variant.
Coding change: c.2573C>G on transcript NM_003331.5 (MANE Select); coding-DNA position 2573, C replaced by G.
Protein change: p.Ser858Ter; replaces serine 858 with a stop codon.
Molecular consequence: nonsense.
Genome position (GRCh38, 1-based): chr19:10,356,612, G>C on the plus strand (C>G on the coding strand, the complement: TYK2 is on the minus strand). VCF-style: chr19-10356612-G-C. GRCh37 (hg19) VCF-style: chr19-10467288-G-C.
Other names: c.2573C>G, p.Ser858Ter (NM_001385197.1, NM_001385198.1, NM_001385203.1); c.2387C>G, p.Ser796Ter (NM_001385199.1); c.2570C>G, p.Ser857Ter (NM_001385200.1); c.2375C>G, p.Ser792Ter (NM_001385201.1); c.2489C>G, p.Ser830Ter (NM_001385202.1); c.2783C>G, p.Ser928Ter (NM_001385204.1); c.2483C>G, p.Ser828Ter (NM_001385205.1); c.2447C>G, p.Ser816Ter (NM_001385206.1); and 1 more; short protein forms S792*, S796*, S816*, S828*, S830*, S852*, S857*, S858*.
Identifiers: ClinVar variation 1069417 (VCV001069417.7), dbSNP rs2145175361, ClinGen allele CA403992183.

ClinVar aggregate classification (germline): Pathogenic (1 of 4 stars; one submission).

Conditions:
Immunodeficiency 35 (IMD35). Also called: HIES WITH ATYPICAL MYCOBACTERIOSIS, AUTOSOMAL RECESSIVE; HYPER-IgE SYNDROME WITH ATYPICAL MYCOBACTERIOSIS, AUTOSOMAL RECESSIVE; TYK2 DEFICIENCY; Susceptibility to infection due to TYK2 deficiency. Identifiers: Orphanet 331226, MedGen C1969086, MONDO:0012682, OMIM 611521.

Submission:

Labcorp Genetics (formerly Invitae), Labcorp
Classification: Pathogenic for Immunodeficiency 35. Last evaluated: 2024-02-24. Review status: criteria provided, single submitter. Criteria: Invitae Variant Classification Sherloc (09022015). Collection method: clinical testing. Allele origin: germline.
Comment: This sequence change creates a premature translational stop signal (p.Ser858*) in the TYK2 gene. It is expected to result in an absent or disrupted protein product. Loss-of-function variants in TYK2 are known to be pathogenic (PMID: 22402565, 26304966). This variant is not present in population databases (gnomAD no frequency). This variant has not been reported in the literature in individuals affected with TYK2-related conditions. ClinVar contains an entry for this variant (Variation ID: 1069417). For these reasons, this variant has been classified as Pathogenic.

Literature cited by the submitters: PubMed 22402565; PubMed 26304966.